The following is an entry in ClinVar:

ClinVar aggregate classification (germline): Likely pathogenic (3 of 4 stars; one submission).

Conditions:
Deficiency of guanidinoacetate methyltransferase (CCDS2). Also called: Guanidinoacetate Methyltransferase (GAMT) Deficiency; GAMT DEFICIENCY; CEREBRAL CREATINE DEFICIENCY SYNDROME 2. Identifiers: Orphanet 382, MedGen C0574080, MONDO:0012999, OMIM 612736.

Submission:

ClinGen Cerebral Creatine Deficiency Syndromes Variant Curation Expert Panel, ClinGen
Classification: Likely pathogenic for Deficiency of guanidinoacetate methyltransferase. Last evaluated: 2025-10-15. Review status: reviewed by expert panel. Criteria: ClinGen CCDS ACMG Specifications GAMT V2.0.0. Collection method: curation. Allele origin: germline. Inheritance: Autosomal recessive inheritance.
Comment: The NM_000156.6:c.564G>T variant in GAMT is a missense variant predicted to cause substitution of methionine by isoleucine at amino acid 188 (p.Met188Ile). This patient was compound heterozygous for the variant and another variant in GAMT that has been classified as pathogenic for GAMT deficiency by the ClinGen CCDS VCEP, c.491dupG. The variants were confirmed to be in trans by parental testing (PMID: 28438604) (1 point) (PM3). The variant is absent in gnomAD v4.1.0. (PM2_Supporting). The computational predictor REVEL gives a score of 0.735 which is in the range of 0.644-0.773, evidence that correlates with impact to GAMT function at the supporting level (PP3). There is a ClinVar entry for this variant (Variation ID: 2570636). In summary, this variant meets the criteria to be classified as likely pathogenic for GAMT deficiency based on the GAMT-specific ACMG/AMP criteria applied, as specified by the ClinGen Cerebral Creatine Deficiency Syndromes Variant Curation Expert Panel (Specifications Version 2.0.0): PP4_Strong, PM3, PP3, PM2_Supporting (Classification approved by the ClinGen Cerebral Creatine Deficiency Syndromes Variant Curation Expert Panel on October 15, 2025)

NM_000156.6(GAMT):c.564G>T (p.Met188Ile)

Gene: GAMT (guanidinoacetate N-methyltransferase; minus strand). Cytogenetic location: 19p13.3.
Variant type: single nucleotide variant.
Coding change: c.564G>T on transcript NM_000156.6 (MANE Select); coding-DNA position 564, G replaced by T.
Protein change: p.Met188Ile; replaces methionine 188 with isoleucine.
Molecular consequence: missense variant.
Genome position (GRCh38, 1-based): chr19:1,398,922, C>A on the plus strand (G>T on the coding strand, the complement: GAMT is on the minus strand). VCF-style: chr19-1398922-C-A. GRCh37 (hg19) VCF-style: chr19-1398921-C-A.
Other names: NM_138924.3:c.564G>T; c.564G>T, p.Met188Ile (NM_138924.3); short protein forms M188I.
Identifiers: ClinVar variation 2570636 (VCV002570636.2), dbSNP rs2512224098, ClinGen allele CA402994004.